The following is an entry in ClinVar:

ClinVar aggregate classification (germline): Uncertain significance (1 of 4 stars; one submission).

gnomAD v4.1: 1 of 1,614,070 alleles (0.000062%); highest among the groups gnomAD compares: East Asian, 0.0022%; no homozygotes.

Submission:

GeneDx
Classification: Uncertain significance. Last evaluated: 2026-01-23. Review status: criteria provided, single submitter. Criteria: GeneDx Variant Classification Process June 2021. Collection method: clinical testing. Allele origin: germline.
Comment: Not observed at significant frequency in large population cohorts (gnomAD); In silico analysis supports that this missense variant has a deleterious effect on protein structure/function; Has not been previously published as pathogenic or benign to our knowledge

NM_005609.4(PYGM):c.373G>A (p.Glu125Lys)

Gene: PYGM (glycogen phosphorylase, muscle associated; minus strand). Cytogenetic location: 11q13.1.
Variant type: single nucleotide variant.
Coding change: c.373G>A on transcript NM_005609.4 (MANE Select); coding-DNA position 373, G replaced by A.
Protein change: p.Glu125Lys; replaces glutamic acid 125 with lysine.
Molecular consequence: missense variant. On other transcripts: intron variant (1).
Genome position (GRCh38, 1-based): chr11:64,758,488, C>T on the plus strand (G>A on the coding strand, the complement: PYGM is on the minus strand). VCF-style: chr11-64758488-C-T. GRCh37 (hg19) VCF-style: chr11-64525960-C-T.
Other names: c.244-222G>A (NM_001164716.1); short protein forms E125K.
Identifiers: ClinVar variation 4975379 (VCV004975379.1).